The following is an entry in ClinVar:

NM_006885.4(ZFHX3):c.3006C>T (p.His1002=)

Gene: ZFHX3 (zinc finger homeobox 3; minus strand). Cytogenetic location: 16q22.3.
Variant type: single nucleotide variant.
Coding change: c.3006C>T on transcript NM_006885.4 (MANE Select); coding-DNA position 3006, C replaced by T.
Protein change: p.His1002=; no amino-acid change (histidine 1002 retained).
Molecular consequence: synonymous variant.
Genome position (GRCh38, 1-based): chr16:72,950,679, G>A on the plus strand (C>T on the coding strand, the complement: ZFHX3 is on the minus strand). VCF-style: chr16-72950679-G-A. GRCh37 (hg19) VCF-style: chr16-72984578-G-A.
Other names: c.264C>T, p.His88= (NM_001164766.2); c.3006C>T, p.His1002= (NM_001386735.1).
Identifiers: ClinVar variation 2646835 (VCV002646835.24), dbSNP rs2507149004, ClinGen allele CA496421246.
Genomic context (GRCh38, chr16:72,950,679, plus strand): 5'-GCCGCCCTCCTTGATGTGGGCCACCAGCTGGTACTTCTGCACGTGCTTGTCTGTCTTGCA[G>A]TGCAGCTGGAAGTTGGCCTTGAGCTGGGTGTTGTAGCGGCAGAGCTTGCACTGGTATGAG-3'
Protein context (NP_008816.3, residues 992-1012): NTQLKANFQL[His1002=]CKTDKHVQKY

ClinVar aggregate classification (germline): Uncertain significance (1 of 4 stars; one submission).

Allele frequency attached by ClinVar (database versions not stated): gnomAD exomes below 0.00001.
gnomAD v4.1: 1 of 1,614,248 alleles (0.000062%); highest among the groups gnomAD compares: Non-Finnish European, 0.000085%; no homozygotes.

Submission:

CeGaT Center for Human Genetics Tuebingen
Classification: Uncertain significance. Last evaluated: 2022-06-01. Review status: criteria provided, single submitter. Criteria: CeGaT Center For Human Genetics Tuebingen Variant Classification Criteria Version 2. Collection method: clinical testing. Allele origin: germline. Affected: yes. Observed: 1 variant allele.
Comment: ZFHX3: PM2:Supporting, BP4